The following is an entry in ClinVar:

NM_007294.4(BRCA1):c.1996del (p.Leu666fs)

Gene: BRCA1 (BRCA1 DNA repair associated; minus strand). Cytogenetic location: 17q21.31.
Variant type: Deletion.
Coding change: c.1996del on transcript NM_007294.4 (MANE Select); coding-DNA position 1996, one base deleted (C; older notation c.1996delC).
Protein change: p.Leu666fs; shifts the reading frame from leucine 666.
Molecular consequence: frameshift variant. On other transcripts: intron variant (137).
Genome position (GRCh38, 1-based): chr17:43,093,535, G deleted on the plus strand (C on the coding strand, the reverse complement: BRCA1 is on the minus strand); the first of 2 consecutive G bases (chr17:43,093,535-43,093,536); deleting either gives the same sequence. VCF-style (leftmost placement, unchanged base first): chr17-43093534-AG-A. GRCh37 (hg19) VCF-style: chr17-41245551-AG-A.
Other names: 2115delC; c.1996delC (NM_007294.3); c.1783del, p.Leu595fs (NM_001407571.1, NM_001407853.1, NM_001407894.1 and 9 more transcripts); c.1996del, p.Leu666fs (NM_001407581.1, NM_001407582.1, NM_001407583.1 and 30 more transcripts); c.1993del, p.Leu665fs (NM_001407587.1, NM_001407590.1, NM_001407591.1 and 22 more transcripts); c.1987del, p.Leu663fs (NM_001407646.1, NM_001407647.1); c.1873del, p.Leu625fs (NM_001407648.1, NM_001407664.1, NM_001407665.1 and 19 more transcripts); c.1870del, p.Leu624fs (NM_001407649.1, NM_001407670.1, NM_001407671.1 and 11 more transcripts); and 42 more; short protein forms L619fs, L666fs, L555fs, L577fs, L598fs, L618fs, L665fs, L498fs.
Identifiers: ClinVar variation 54429 (VCV000054429.9), dbSNP rs80357922, ClinGen allele CA001325.

ClinVar aggregate classification (germline): Pathogenic. Review status: reviewed by expert panel (3 of 4 stars). 5 submissions from 5 submitters: Pathogenic (1). 4 of the submissions do not count toward it. Last evaluated 2016-09-08.

Conditions:
Breast-ovarian cancer, familial, susceptibility to, 1 (BROVCA1). Also called: OVARIAN CANCER, SUSCEPTIBILITY TO; BRCA1 Hereditary Breast and Ovarian Cancer. Identifiers: Orphanet 145, MedGen C2676676, MONDO:0011450, OMIM 604370. Disease mechanism: loss of function.

Submissions (5):

Evidence-based Network for the Interpretation of Germline Mutant Alleles (ENIGMA)
Classification: Pathogenic for Breast-ovarian cancer, familial, susceptibility to, 1. Last evaluated: 2016-09-08. Review status: reviewed by expert panel. Criteria: ENIGMA BRCA1/2 Classification Criteria (2015). Collection method: curation. Allele origin: germline.
Comment: Variant allele predicted to encode a truncated non-functional protein.

Revvity Omics, Revvity
Classification: Pathogenic. Last evaluated: 2022-12-14. Review status: criteria provided, single submitter. Criteria: ACMG Guidelines, 2015. Collection method: clinical testing. Allele origin: germline. Not counted in ClinVar's aggregate classification.

Consortium of Investigators of Modifiers of BRCA1/2 (CIMBA), c/o University of Cambridge
Classification: Pathogenic for Breast-ovarian cancer, familial, susceptibility to, 1. Last evaluated: 2015-10-02. Review status: criteria provided, single submitter. Criteria: CIMBA Mutation Classification guidelines May 2016. Collection method: clinical testing. Allele origin: germline. Not counted in ClinVar's aggregate classification.

Counsyl
Classification: Pathogenic for Breast-ovarian cancer, familial, susceptibility to, 1. Last evaluated: 2017-10-17. Review status: no assertion criteria provided. Collection method: clinical testing. Allele origin: unknown. Not counted in ClinVar's aggregate classification.

Breast Cancer Information Core (BIC) (BRCA1)
Classification: Pathogenic for Breast-ovarian cancer, familial 1. Last evaluated: 2002-05-29. Review status: no assertion criteria provided. Collection method: clinical testing. Allele origin: germline. Affected: yes. Observed: 1 variant allele. Not counted in ClinVar's aggregate classification.

Literature cited by the submitters: PubMed 22160602 (cited by Counsyl); PubMed 26541979 (cited by Counsyl).